The following is an entry in ClinVar:

ClinVar aggregate classification (germline): Uncertain significance (1 of 4 stars; one submission).

Conditions:
Hereditary cancer-predisposing syndrome. Also called: Neoplastic Syndromes, Hereditary; Tumor predisposition; Hereditary neoplastic syndrome; Hereditary Cancer Syndrome. Identifiers: Orphanet 140162, MedGen C0027672, MeSH D009386, MONDO:0015356.

Allele frequency attached by ClinVar (database versions not stated): gnomAD exomes below 0.00001.
gnomAD v4.1: 2 of 1,614,028 alleles (0.00012%); highest among the groups gnomAD compares: Non-Finnish European, 0.00017%; no homozygotes.

Submission:

Ambry Genetics
Classification: Uncertain significance for Hereditary cancer-predisposing syndrome. Last evaluated: 2024-01-01. Review status: criteria provided, single submitter. Criteria: Ambry Variant Classification Scheme 2023. Collection method: clinical testing. Allele origin: germline.
Comment: The p.V625I variant (also known as c.1873G>A), located in coding exon 14 of the PTCH1 gene, results from a G to A substitution at nucleotide position 1873. The valine at codon 625 is replaced by isoleucine, an amino acid with highly similar properties. This amino acid position is conserved. In addition, this alteration is predicted to be tolerated by in silico analysis. Since supporting evidence is limited at this time, the clinical significance of this alteration remains unclear.

NM_000264.5(PTCH1):c.1873G>A (p.Val625Ile)

Genes: PTCH1 (patched 1; minus strand), LOC100507346 (uncharacterized LOC100507346; plus strand). Cytogenetic location: 9q22.32.
Variant type: single nucleotide variant.
Coding change: c.1873G>A on transcript NM_000264.5 (MANE Select); coding-DNA position 1873, G replaced by A.
Protein change: p.Val625Ile; replaces valine 625 with isoleucine.
Molecular consequence: missense variant. On other transcripts: non-coding transcript variant (2).
Genome position (GRCh38, 1-based): chr9:95,469,128, C>T on the plus strand (G>A on the coding strand, the complement: PTCH1 is on the minus strand). VCF-style: chr9-95469128-C-T. GRCh37 (hg19) VCF-style: chr9-98231410-C-T.
Other names: c.1675G>A, p.Val559Ile (NM_001083602.3); c.1870G>A, p.Val624Ile (NM_001083603.3); c.1420G>A, p.Val474Ile (NM_001083604.3, NM_001083605.3, NM_001083606.3 and 1 more transcripts); c.1717G>A, p.Val573Ile (NM_001354918.2); short protein forms V474I, V559I, V573I, V624I, V625I.
Identifiers: ClinVar variation 3230961 (VCV003230961.1), dbSNP rs2118060058, ClinGen allele CA374116144.